The following is an entry in ClinVar:

NM_000352.6(ABCC8):c.3558-8C>T

Gene: ABCC8 (ATP binding cassette subfamily C member 8; minus strand). Cytogenetic location: 11p15.1.
Variant type: single nucleotide variant.
Coding change: c.3558-8C>T on transcript NM_000352.6 (MANE Select); 8 bases into the intron before coding-DNA position 3558, C replaced by T.
Molecular consequence: intron variant.
Genome position (GRCh38, 1-based): chr11:17,402,761, G>A on the plus strand (C>T on the coding strand, the complement: ABCC8 is on the minus strand). VCF-style: chr11-17402761-G-A. GRCh37 (hg19) VCF-style: chr11-17424308-G-A.
Other names: c.3555-8C>T (NM_001351297.2); c.3558-8C>T (NM_001351296.2); c.3624-8C>T (NM_001351295.2); c.3561-8C>T (NM_001287174.3).
Identifiers: ClinVar variation 303761 (VCV000303761.20), dbSNP rs544550330, ClinGen allele CA5902766.

ClinVar aggregate classification (germline): Conflicting classifications of pathogenicity. Review status: criteria provided, conflicting classifications (1 of 4 stars). 10 submissions from 7 submitters: Uncertain significance (3); Benign (3); Likely benign (4). Last evaluated 2026-01-28.

Conditions:
Diabetes mellitus, transient neonatal, 2 (TNDM2). Identifiers: Orphanet 99886, MedGen C1835887, MONDO:0012480, OMIM 610374. Disease mechanism: loss of function.
Hyperinsulinemic hypoglycemia, familial, 1 (HHF1). Also called: Persistent hyperinsulinemic hypoglycemia of infancy; HYPERINSULINISM, FAMILIAL, WITH PANCREATIC NESIDIOBLASTOSIS; HYPOGLYCEMIA, HYPERINSULINEMIC, OF INFANCY; NESIDIOBLASTOSIS OF PANCREAS; Persistent Hyperinsulinemia Hypoglycemia of Infancy. Identifiers: Orphanet 276575, Orphanet 276598, MedGen C2931832, MONDO:0009734, OMIM 256450.
ABCC8-related disorder.
Transitory neonatal diabetes mellitus. Also called: Transient neonatal diabetes mellitus. Identifiers: MedGen C0342273, MONDO:0020525, HP:0008255.
Maturity-onset diabetes of the young (MODY). Also called: Maturity onset diabetes mellitus in young. Identifiers: Orphanet 552, MedGen C0342276, MONDO:0018911, HP:0004904.
Permanent neonatal diabetes mellitus (PNDM). Identifiers: Orphanet 99885, MedGen C1833104, MONDO:0100164, MONDO:0011643. Disease mechanism: gain of function.

Allele frequency attached by ClinVar (database versions not stated): gnomAD 0.00001 and 0.00009; TOPMed 0.00003; gnomAD exomes 0.00023 and 0.00047; ExAC 0.00049; 1000 Genomes Project 30x 0.00078; 1000 Genomes Project 0.00100.
gnomAD v4.1: 355 of 1,614,156 alleles (0.022%); highest among the groups gnomAD compares: South Asian, 0.36%; 4 homozygotes.

Submissions (10):

Labcorp Genetics (formerly Invitae), Labcorp
Classification: Benign. Last evaluated: 2026-01-28. Review status: criteria provided, single submitter. Criteria: Invitae Variant Classification Sherloc (09022015). Collection method: clinical testing. Allele origin: germline.

Women's Health and Genetics/Laboratory Corporation of America, LabCorp
Classification: Benign. Last evaluated: 2025-07-22. Review status: criteria provided, single submitter. Criteria: LabCorp Variant Classification Summary - May 2015. Collection method: clinical testing. Allele origin: germline.
Comment: Variant summary: ABCC8 c.3558-8C>T alters a non-conserved nucleotide located at a position not widely known to affect splicing. The variant allele was found at a frequency of 0.00022 in 1607182 control chromosomes, predominantly at a frequency of 0.0036 within the South Asian subpopulation in the gnomAD database, including 4 homozygotes. The observed variant frequency within South Asian control individuals in the gnomAD database is higher than the estimated maximal expected allele frequency for a pathogenic variant in ABCC8 causing Familial Hyperinsulinism phenotype (0.0034). To our knowledge, no occurrence of c.3558-8C>T in individuals affected with Familial Hyperinsulinism and no experimental evidence demonstrating its impact on protein function have been reported. ClinVar contains an entry for this variant (Variation ID: 303761). Based on the evidence outlined above, the variant was classified as benign.

ARUP Laboratories, Molecular Genetics and Genomics, ARUP Laboratories
Classification: Likely benign. Last evaluated: 2025-05-15. Review status: criteria provided, single submitter. Criteria: ARUP Molecular Germline Variant Investigation Process 2024. Collection method: clinical testing. Allele origin: germline.

Blueprint Genetics
Classification: Likely benign. Last evaluated: 2024-10-23. Review status: criteria provided, single submitter. Criteria: ACMG Guidelines, 2015. Collection method: clinical testing. Allele origin: germline.

PreventionGenetics, part of Exact Sciences
Classification: Likely benign for ABCC8-related condition. Last evaluated: 2024-10-17. Review status: criteria provided, single submitter. Criteria: ACMG Guidelines, 2015. Collection method: clinical testing. Allele origin: germline.
Comment: This variant is classified as likely benign based on ACMG/AMP sequence variant interpretation guidelines (Richards et al. 2015 PMID: 25741868, with internal and published modifications).

Illumina Laboratory Services, Illumina
Classification: Benign for Diabetes mellitus, transient neonatal, 2. Last evaluated: 2018-01-12. Review status: criteria provided, single submitter. Criteria: ICSL Variant Classification Criteria 13 December 2019. Collection method: clinical testing. Allele origin: germline.
Comment: This variant was observed in the ICSL laboratory as part of a predisposition screen in an ostensibly healthy population. It had not been previously curated by ICSL or reported in the Human Gene Mutation Database (HGMD: prior to June 1st, 2018), and was therefore a candidate for classification through an automated scoring system. Utilizing variant allele frequency, disease prevalence and penetrance estimates, and inheritance mode, an automated score was calculated to assess if this variant is too frequent to cause the disease. Based on the score and internal cut-off values, a variant classified as benign is not then subjected to further curation. The score for this variant resulted in a classification of benign for this disease.

Illumina Laboratory Services, Illumina
Classification: Uncertain significance for Hyperinsulinemic hypoglycemia, familial, 1. Last evaluated: 2018-01-12. Review status: criteria provided, single submitter. Criteria: ICSL Variant Classification Criteria 13 December 2019. Collection method: clinical testing. Allele origin: germline.

Illumina Laboratory Services, Illumina
Classification: Likely benign for Permanent neonatal diabetes mellitus 1. Last evaluated: 2018-01-12. Review status: criteria provided, single submitter. Criteria: ICSL Variant Classification Criteria 13 December 2019. Collection method: clinical testing. Allele origin: germline.
Comment: This variant was observed in the ICSL laboratory as part of a predisposition screen in an ostensibly healthy population. It had not been previously curated by ICSL or reported in the Human Gene Mutation Database (HGMD: prior to June 1st, 2018), and was therefore a candidate for classification through an automated scoring system. Utilizing variant allele frequency, disease prevalence and penetrance estimates, and inheritance mode, an automated score was calculated to assess if this variant is too frequent to cause the disease. Based on the score and internal cut-off values, a variant classified as likely benign is not then subjected to further curation. The score for this variant resulted in a classification of likely benign for this disease.

Clinical Genomics, Uppaluri K&H Personalized Medicine Clinic
Classification: Uncertain significance for Transitory neonatal diabetes mellitus. Review status: criteria provided, single submitter. Criteria: K & H Uppaluri Personalized Medicine Clinic Variant Classification & Assertion Criteria_Updated V.1. Collection method: research. Allele origin: somatic. Inheritance: Somatic mutation.
Comment: Mutations in ABCC8 gene are associated with both neonatal diabetes mellitus as well as MODY. Patients with this mutation may have a better response to sulfonylureas. However, no sufficient evidence is found to ascertain the role of this particular variant (rs544550330) in neonatal diabetes yet.

Clinical Genomics, Uppaluri K&H Personalized Medicine Clinic
Classification: Uncertain significance for Maturity-onset diabetes of the young. Review status: criteria provided, single submitter. Criteria: K & H Uppaluri Personalized Medicine Clinic Variant Classification & Assertion Criteria_Updated V.1. Collection method: research. Allele origin: somatic. Inheritance: Somatic mutation.
Comment: Mutations in ABCC8 gene are associated with both neonatal diabetes mellitus as well as MODY. Patients with this mutation may have a better response to sulfonylureas. However, no sufficient evidence is found to ascertain the role of this particular variant (rs544550330) in MODY yet.

Literature cited by the submitters: PubMed 16885549 (cited by Clinical Genomics, Uppaluri K&H Personalized Medicine Clinic); PubMed 21989597 (cited by Clinical Genomics, Uppaluri K&H Personalized Medicine Clinic); PubMed 27538677 (cited by Clinical Genomics, Uppaluri K&H Personalized Medicine Clinic); PubMed 18981553 (cited by Clinical Genomics, Uppaluri K&H Personalized Medicine Clinic); PubMed 32027066 (cited by Clinical Genomics, Uppaluri K&H Personalized Medicine Clinic); PubMed 16613899 (cited by Clinical Genomics, Uppaluri K&H Personalized Medicine Clinic); PubMed 18025408 (cited by Clinical Genomics, Uppaluri K&H Personalized Medicine Clinic); PubMed 32792356 (cited by Clinical Genomics, Uppaluri K&H Personalized Medicine Clinic).